The following is an entry in ClinVar:

ClinVar aggregate classification (germline): Likely pathogenic (0 of 4 stars; one submission).

Conditions:
FGF14-related disorder. Also called: FGF14-related condition.

Submission:

PreventionGenetics, part of Exact Sciences
Classification: Likely pathogenic for FGF14-related condition. Last evaluated: 2024-06-24. Review status: no assertion criteria provided. Collection method: clinical testing. Allele origin: germline.
Comment: The FGF14 c.438_466del29 variant is predicted to result in a frameshift and premature protein termination (p.Lys146Asnfs*14). To our knowledge, this variant has not been reported in the literature or in a large population database, indicating this variant is rare. Frameshift variants in FGF14 are expected to be pathogenic. This variant is interpreted as likely pathogenic.

NM_004115.4(FGF14):c.438_466del (p.Lys146fs)

Gene: FGF14 (fibroblast growth factor 14; minus strand). Cytogenetic location: 13q33.1.
Variant type: Deletion.
Coding change: c.438_466del on transcript NM_004115.4 (MANE Select); coding-DNA positions 438 to 466, 29 bases deleted (AGAATCTGTTTTTGAAAATTATTATGTAA).
Protein change: p.Lys146fs; shifts the reading frame from lysine 146.
Molecular consequence: frameshift variant.
Genome position (GRCh38, 1-based): chr13:101,726,753-101,726,781, TTACATAATAATTTTCAAAAACAGATTCT deleted on the plus strand (AGAATCTGTTTTTGAAAATTATTATGTAA on the coding strand, the reverse complement: FGF14 is on the minus strand); deleting any 29 consecutive bases within chr13:101,726,753-101,726,784 gives the same sequence; the c. name uses the placement nearest the transcript's 3' end. VCF-style (leftmost placement, unchanged base first): chr13-101726752-ATTACATAATAATTTTCAAAAACAGATTCT-A. GRCh37 (hg19) VCF-style: chr13-102379102-ATTACATAATAATTTTCAAAAACAGATTCT-A.
Other names: c.186_214del, p.Lys62fs (NM_001321931.1, NM_001321934.1, NM_001321935.1 and 4 more transcripts); c.249_277del, p.Lys83fs (NM_001321932.1, NM_001321936.1, NM_001321944.1); c.258_286del, p.Lys86fs (NM_001321933.1, NM_001321938.2, NM_001321940.1); c.342_370del, p.Lys114fs (NM_001321939.2); c.252_280del, p.Lys84fs (NM_001321941.2); c.336_364del, p.Lys112fs (NM_001321945.2, NM_001321948.2, NM_001379342.1); c.297_325del, p.Lys99fs (NM_001321947.2); c.453_481del, p.Lys151fs (NM_175929.3); short protein forms K112fs, K114fs, K146fs, K151fs, K62fs, K83fs, K84fs, K86fs.
Identifiers: ClinVar variation 3346214 (VCV003346214.1).